The following is an entry in ClinVar:

ClinVar aggregate classification (germline): Likely benign. Review status: criteria provided, single submitter (1 of 4 stars). 2 submissions from 2 submitters: Likely benign (1). 1 of the submissions does not count toward it. Last evaluated 2025-09-23.

Conditions:
AP3B2-related disorder. Also called: AP3B2-related condition.

Allele frequency attached by ClinVar (database versions not stated): ExAC 0.00002; gnomAD exomes 0.00003 and 0.00010; TOPMed 0.00006; gnomAD 0.00007; ESP Exome Variant Server 0.00008.
gnomAD v4.1: 167 of 1,613,820 alleles (0.01%); highest among the groups gnomAD compares: Non-Finnish European, 0.013%; no homozygotes.

Submissions (2):

Labcorp Genetics (formerly Invitae), Labcorp
Classification: Likely benign. Last evaluated: 2025-09-23. Review status: criteria provided, single submitter. Criteria: Invitae Variant Classification Sherloc (09022015). Collection method: clinical testing. Allele origin: germline.

PreventionGenetics, part of Exact Sciences
Classification: Likely benign for AP3B2-related condition. Last evaluated: 2019-06-20. Review status: no assertion criteria provided. Collection method: clinical testing. Allele origin: germline. Not counted in ClinVar's aggregate classification.
Comment: This variant is classified as likely benign based on ACMG/AMP sequence variant interpretation guidelines (Richards et al. 2015 PMID: 25741868, with internal and published modifications).

NM_001278512.2(AP3B2):c.504C>T (p.Ala168=)

Genes: CPEB1-AS1 (CPEB1 antisense RNA 1; plus strand), AP3B2 (adaptor related protein complex 3 subunit beta 2; minus strand). Cytogenetic location: 15q25.2.
Variant type: single nucleotide variant.
Coding change: c.504C>T on transcript NM_001278512.2 (MANE Select); coding-DNA position 504, C replaced by T.
Protein change: p.Ala168=; no amino-acid change (alanine 168 retained).
Molecular consequence: synonymous variant.
Genome position (GRCh38, 1-based): chr15:82,681,437, G>A on the plus strand (C>T on the coding strand, the complement: AP3B2 is on the minus strand). VCF-style: chr15-82681437-G-A. GRCh37 (hg19) VCF-style: chr15-83350189-G-A.
Other names: c.504C>T (NM_004644.4); c.408C>T, p.Ala136= (NM_001278511.2); c.504C>T, p.Ala168= (NM_004644.5).
Identifiers: ClinVar variation 1625861 (VCV001625861.10), dbSNP rs377122592, ClinGen allele CA7700474.